The following is an entry in ClinVar:

NM_017780.4(CHD7):c.2215G>T (p.Glu739Ter)

Gene: CHD7 (chromodomain helicase DNA binding protein 7; plus strand). Cytogenetic location: 8q12.2.
Variant type: single nucleotide variant.
Coding change: c.2215G>T on transcript NM_017780.4 (MANE Select); coding-DNA position 2215, G replaced by T.
Protein change: p.Glu739Ter; replaces glutamic acid 739 with a stop codon.
Molecular consequence: nonsense. On other transcripts: intron variant (1).
Genome position (GRCh38, 1-based): chr8:60,795,104, G>T. VCF-style: chr8-60795104-G-T. GRCh37 (hg19) VCF-style: chr8-61707663-G-T.
Other names: c.2215G>T (LRG_176t1); c.1716+14054G>T (NM_001316690.1); short protein forms E739*.
Identifiers: ClinVar variation 267419 (VCV000267419.2), dbSNP rs886040981, ClinGen allele CA10602486.

ClinVar aggregate classification (germline): Pathogenic. Review status: criteria provided, single submitter (1 of 4 stars). 2 submissions from 2 submitters: Pathogenic (1). 1 of the submissions does not count toward it. Last evaluated 2016-09-05.

Conditions:
CHARGE syndrome (CHARGE). Also called: Hittner Hirsch Kreh syndrome; Coloboma, heart anomaly, choanal atresia, retardation, genital and ear anomalies; CHARGE association; Hall-Hittner syndrome; CHARGE ASSOCIATION--COLOBOMA, HEART ANOMALY, CHOANAL ATRESIA, RETARDATION, GENITAL AND EAR ANOMALIES. Identifiers: Orphanet 138, MedGen C0265354, MONDO:0008965.

Submissions (2):

Genomic Diagnostic Laboratory, Division of Genomic Diagnostics, Children's Hospital of Philadelphia
Classification: Pathogenic for CHARGE syndrome. Last evaluated: 2016-09-05. Review status: criteria provided, single submitter. Criteria: DGD Variant Analysis Guidelines. Collection method: clinical testing. Allele origin: germline. Affected: yes. Observed: 1 variant allele.
Comment: Clinical Testing

Clinical Molecular Genetics Laboratory, Johns Hopkins All Children's Hospital
Classification: Pathogenic for CHARGE association. Last evaluated: 2016-10-06. Review status: no assertion criteria provided. Collection method: clinical testing. Allele origin: germline. Affected: yes. Not counted in ClinVar's aggregate classification.